The following is an entry in ClinVar:

ClinVar aggregate classification (germline): Pathogenic (1 of 4 stars; one submission).

Conditions:
Usher syndrome type 2A. Also called: RETINAL DISEASE IN USHER SYNDROME TYPE IIA, MODIFIER OF; USHER SYNDROME, TYPE IIA. Identifiers: Orphanet 231178, Orphanet 886, MedGen C1848634, MONDO:0010169, OMIM 276901.

Submission:

Natera, Inc.
Classification: Pathogenic for Usher syndrome type 2A. Last evaluated: 2025-02-21. Review status: criteria provided, single submitter. Criteria: Natera Variant Classification Schema (03/2026). Collection method: clinical testing. Allele origin: germline.
Comment: The c.6805+1G>A variant in USH2A is a canonical splice donor site variant predicted to affect pre-mRNA splicing, which may result in an abnormal transcript and altered protein product. This variant is expected to result in nonsense mediated decay, truncation, or a dysfunctional protein product. This variant is rare in the general population with a frequency below the threshold expected for the associated phenotype(s). This variant has been observed in one or more individuals affected with the associated recessive disease, as either homozygous or compound heterozygous with a second variant (PMID: 28944237). Given the available evidence, this variant is classified as Pathogenic.

Literature cited by the submitters: PubMed 28944237.

NM_206933.4(USH2A):c.6805+1G>A

Gene: USH2A (usherin; minus strand). Cytogenetic location: 1q41.
Variant type: single nucleotide variant.
Coding change: c.6805+1G>A on transcript NM_206933.4 (MANE Select); the canonical splice donor site of the intron after coding-DNA position 6805, G replaced by A.
Molecular consequence: splice donor variant.
Genome position (GRCh38, 1-based): chr1:215,993,019, C>T on the plus strand (G>A on the coding strand, the complement: USH2A is on the minus strand). VCF-style: chr1-215993019-C-T. GRCh37 (hg19) VCF-style: chr1-216166361-C-T.
Identifiers: ClinVar variation 4817141 (VCV004817141.1).